The following is an entry in ClinVar:

ClinVar aggregate classification (germline): Benign. Review status: criteria provided, multiple submitters, no conflicts (2 of 4 stars). 6 submissions from 6 submitters: Benign (5). 1 of the submissions does not count toward it. Last evaluated 2026-02-03.

Conditions:
Generalized epilepsy-paroxysmal dyskinesia syndrome (PNKD3). Also called: Generalized epilepsy and paroxysmal dyskinesia; Paroxysmal nonkinesigenic dyskinesia, 3, with or without generalized epilepsy. Identifiers: Orphanet 79137, MedGen C5574945, MONDO:0012276, OMIM 609446.

Allele frequency attached by ClinVar (database versions not stated): gnomAD 0.01731 and 0.01618; ESP Exome Variant Server 0.01745; TOPMed 0.01835; gnomAD exomes 0.00410; ExAC 0.00500; 1000 Genomes Project 0.01917; 1000 Genomes Project 30x 0.02030.
gnomAD v4.1: 4,816 of 1,614,024 alleles (0.3%); highest among the groups gnomAD compares: African/African-American, 5.6%; 135 homozygotes.

Submissions (6):

Labcorp Genetics (formerly Invitae), Labcorp
Classification: Benign for Generalized epilepsy-paroxysmal dyskinesia syndrome. Last evaluated: 2026-02-03. Review status: criteria provided, single submitter. Criteria: Invitae Variant Classification Sherloc (09022015). Collection method: clinical testing. Allele origin: germline.

Mayo Clinic Laboratories, Mayo Clinic
Classification: Benign. Last evaluated: 2022-07-29. Review status: criteria provided, single submitter. Criteria: ACMG Guidelines, 2015. Collection method: clinical testing. Allele origin: germline. Observed: 5 variant alleles.

GeneDx
Classification: Benign. Last evaluated: 2018-07-26. Review status: criteria provided, single submitter. Criteria: GeneDx Variant Classification Process June 2021. Collection method: clinical testing. Allele origin: germline. Affected: yes.

Illumina Laboratory Services, Illumina
Classification: Benign for Generalized epilepsy-paroxysmal dyskinesia syndrome. Last evaluated: 2018-01-13. Review status: criteria provided, single submitter. Criteria: ICSL Variant Classification Criteria 13 December 2019. Collection method: clinical testing. Allele origin: germline.
Comment: This variant was observed in the ICSL laboratory as part of a predisposition screen in an ostensibly healthy population. It had not been previously curated by ICSL or reported in the Human Gene Mutation Database (HGMD: prior to June 1st, 2018), and was therefore a candidate for classification through an automated scoring system. Utilizing variant allele frequency, disease prevalence and penetrance estimates, and inheritance mode, an automated score was calculated to assess if this variant is too frequent to cause the disease. Based on the score and internal cut-off values, a variant classified as benign is not then subjected to further curation. The score for this variant resulted in a classification of benign for this disease.

Breakthrough Genomics
Classification: Benign. Review status: criteria provided, single submitter. Criteria: ACMG Guidelines, 2015. Collection method: not provided. Allele origin: germline. Inheritance: Autosomal recessive inheritance. Affected: yes.

Genetic Services Laboratory, University of Chicago
Classification: Likely benign for AllHighlyPenetrant. Review status: no assertion criteria provided. Collection method: clinical testing. Allele origin: germline. Inheritance: Autosomal dominant inheritance. Not counted in ClinVar's aggregate classification.
Comment: Likely benign based on allele frequency in 1000 Genomes Project or ESP global frequency and its presence in a patient with a rare or unrelated disease phenotype. NOT Sanger confirmed.

NM_001161352.2(KCNMA1):c.2391T>C (p.Asp797=)

Genes: KCNMA1-AS1 (KCNMA1 antisense RNA 1; plus strand), KCNMA1 (potassium calcium-activated channel subfamily M alpha 1; minus strand). Cytogenetic location: 10q22.3.
Variant type: single nucleotide variant.
Coding change: c.2391T>C on transcript NM_001161352.2 (MANE Select); coding-DNA position 2391, T replaced by C.
Protein change: p.Asp797=; no amino-acid change (aspartic acid 797 retained).
Molecular consequence: synonymous variant.
Genome position (GRCh38, 1-based): chr10:76,953,894, A>G on the plus strand (T>C on the coding strand, the complement: KCNMA1 is on the minus strand). VCF-style: chr10-76953894-A-G. GRCh37 (hg19) VCF-style: chr10-78713652-A-G.
Other names: p.Asp739=; c.2229T>C, p.Asp743= (NM_001014797.3, NM_001322835.2, NM_001322837.2); c.2217T>C, p.Asp739= (NM_001161353.2, NM_001322832.2, NM_002247.4); c.2067T>C, p.Asp689= (NM_001271518.2); c.2226T>C, p.Asp742= (NM_001271519.2, NM_001322829.2, NM_001322836.2); c.2238T>C, p.Asp746= (NM_001322830.2); c.1764T>C, p.Asp588= (NM_001322838.2).
Identifiers: ClinVar variation 129323 (VCV000129323.23), dbSNP rs77280228, ClinGen allele CA153273.